The following is an entry in ClinVar:

ClinVar aggregate classification (germline): Uncertain significance (1 of 4 stars; one submission).

Submission:

GeneDx
Classification: Uncertain significance. Last evaluated: 2024-08-14. Review status: criteria provided, single submitter. Criteria: GeneDx Variant Classification Process June 2021. Collection method: clinical testing. Allele origin: germline. Affected: yes.
Comment: Not observed at significant frequency in large population cohorts (gnomAD); In silico analysis indicates that this missense variant does not alter protein structure/function; Has not been previously published as pathogenic or benign to our knowledge

NM_197968.4(ZMYM2):c.91G>T (p.Val31Leu)

Gene: ZMYM2 (zinc finger MYM-type containing 2; plus strand). Cytogenetic location: 13q12.11.
Variant type: single nucleotide variant.
Coding change: c.91G>T on transcript NM_197968.4 (MANE Select); coding-DNA position 91, G replaced by T.
Protein change: p.Val31Leu; replaces valine 31 with leucine.
Molecular consequence: missense variant. On other transcripts: non-coding transcript variant (1).
Genome position (GRCh38, 1-based): chr13:19,993,163, G>T. VCF-style: chr13-19993163-G-T. GRCh37 (hg19) VCF-style: chr13-20567303-G-T.
Other names: c.91G>T, p.Val31Leu (NM_001190964.4, NM_001190965.4, NM_001353157.2 and 6 more transcripts); c.157G>T, p.Val53Leu (NM_001353161.3); short protein forms V31L, V53L.
Identifiers: ClinVar variation 3731087 (VCV003731087.1).